The following is an entry in ClinVar:

ClinVar aggregate classification (germline): Uncertain significance (1 of 4 stars; one submission).

Allele frequency attached by ClinVar (database versions not stated): gnomAD exomes 0.00001 and 0.00003; ExAC 0.00003; gnomAD 0.00006; TOPMed 0.00019; 1000 Genomes Project 30x 0.00047; 1000 Genomes Project 0.00060.
gnomAD v4.1: 32 of 1,614,194 alleles (0.002%); highest among the groups gnomAD compares: Admixed American, 0.027%; no homozygotes.

Submission:

GeneDx
Classification: Uncertain significance. Last evaluated: 2025-09-21. Review status: criteria provided, single submitter. Criteria: GeneDx Variant Classification Process June 2021. Collection method: clinical testing. Allele origin: germline. Affected: yes.
Comment: In silico analysis suggests that this missense variant does not alter protein structure/function; Has not been previously published as pathogenic or benign to our knowledge

NM_004667.6(HERC2):c.14422G>A (p.Asp4808Asn)

Gene: HERC2 (HECT and RLD domain containing E3 ubiquitin protein ligase 2; minus strand). Cytogenetic location: 15q13.1.
Variant type: single nucleotide variant.
Coding change: c.14422G>A on transcript NM_004667.6 (MANE Select); coding-DNA position 14422, G replaced by A.
Protein change: p.Asp4808Asn; replaces aspartic acid 4808 with asparagine.
Molecular consequence: missense variant.
Genome position (GRCh38, 1-based): chr15:28,111,846, C>T on the plus strand (G>A on the coding strand, the complement: HERC2 is on the minus strand). VCF-style: chr15-28111846-C-T. GRCh37 (hg19) VCF-style: chr15-28356992-C-T.
Other names: short protein forms D4808N.
Identifiers: ClinVar variation 1320532 (VCV001320532.4), dbSNP rs188787231, ClinGen allele CA7439661.